The following is an entry in ClinVar:

NM_001048174.2(MUTYH):c.1237del (p.Glu413fs)

Gene: MUTYH (mutY DNA glycosylase; minus strand). Cytogenetic location: 1p34.1.
Variant type: Deletion.
Coding change: c.1237del on transcript NM_001048174.2 (MANE Select); coding-DNA position 1237, one base deleted (G; older notation c.1237delG).
Protein change: p.Glu413fs; shifts the reading frame from glutamic acid 413.
Molecular consequence: frameshift variant. On other transcripts: non-coding transcript variant (2).
Genome position (GRCh38, 1-based): chr1:45,331,422, C deleted on the plus strand (G on the coding strand, the reverse complement: MUTYH is on the minus strand); the first of 4 consecutive C bases (chr1:45,331,422-45,331,425); deleting any one gives the same sequence. VCF-style (leftmost placement, unchanged base first): chr1-45331421-TC-T. GRCh37 (hg19) VCF-style: chr1-45797093-TC-T.
Other names: c.1237del, p.Glu413fs (NM_001293195.2, NM_001048171.2, NM_001048173.2); c.961del, p.Glu321fs (NM_001293196.2, NM_001293192.2); c.892del, p.Glu298fs (NM_001350650.2, NM_001350651.2); c.1312del, p.Glu438fs (NM_012222.3); c.1321delG (NM_001128425.1); c.1240del, p.Glu414fs (NM_001048172.2); c.1321del, p.Glu441fs (NM_001128425.2); c.1282del, p.Glu428fs (NM_001293190.2); and 1 more; short protein forms E424fs, E438fs, E413fs, E298fs, E414fs, E441fs, E321fs, E428fs.
Identifiers: ClinVar variation 421975 (VCV000421975.10), dbSNP rs1064795480, ClinGen allele CA16617155.

ClinVar aggregate classification (germline): Pathogenic/Likely pathogenic. Review status: criteria provided, multiple submitters, no conflicts (2 of 4 stars). 5 submissions from 5 submitters: Pathogenic (3); Likely pathogenic (2). Last evaluated 2026-09-09.

Conditions:
Hereditary cancer-predisposing syndrome. Also called: Neoplastic Syndromes, Hereditary; Hereditary neoplastic syndrome; Hereditary Cancer Syndrome; Tumor predisposition. Identifiers: Orphanet 140162, MedGen C0027672, MeSH D009386, MONDO:0015356.
Familial adenomatous polyposis 2. Also called: MUTYH-related attenuated familial adenomatous polyposis; MUTYH Polyposis; MYH-associated polyposis; FAP type 2; MUTYH-associated polyposis; Adenomas, multiple colorectal. Identifiers: Orphanet 220460, Orphanet 247798, MedGen C3272841, MONDO:0012041, OMIM 608456.

Submissions (5):

Ambry Genetics
Classification: Pathogenic for Hereditary cancer-predisposing syndrome. Last evaluated: 2026-09-09. Review status: criteria provided, single submitter. Criteria: Ambry Variant Classification Scheme 2023. Collection method: clinical testing. Allele origin: germline.
Comment: The c.1321delG pathogenic mutation, located in coding exon 13 of the MUTYH gene, results from a deletion of one nucleotide at nucleotide position 1321, causing a translational frameshift with a predicted alternate stop codon (p.E441Rfs*11). This variant is considered to be rare based on population cohorts in the Genome Aggregation Database (gnomAD). This alteration is expected to result in loss of function by premature protein truncation or nonsense-mediated mRNA decay. As such, this alteration is interpreted as a disease-causing mutation.

All of Us Research Program, National Institutes of Health
Classification: Pathogenic for Familial adenomatous polyposis 2. Last evaluated: 2024-05-07. Review status: criteria provided, single submitter. Criteria: ACMG Guidelines, 2015. Collection method: clinical testing. Allele origin: germline. Inheritance: Autosomal recessive inheritance. Observed: 2 variant alleles, 2 heterozygotes.
Comment: This variant deletes 1 nucleotide in exon 13 of the MUTYH gene, creating a premature translation stop signal. This variant is expected to result in an absent or non-functional protein product. This variant has not been reported in individuals affected with hereditary cancer in the literature. This variant has not been identified in the general population by the Genome Aggregation Database (gnomAD). Loss of MUTYH function is a known mechanism of disease. Based on the available evidence, this variant is classified as Pathogenic.

This study involves interpretation of variants in research participants for the purpose of population health screening. Participant phenotype was not available at the time of variant classification. Additional details can be found in publication PMID: 35346344, PMCID: PMC8962531

Baylor Genetics
Classification: Likely pathogenic for Familial adenomatous polyposis 2. Last evaluated: 2023-03-23. Review status: criteria provided, single submitter. Criteria: ACMG Guidelines, 2015. Collection method: clinical testing. Allele origin: unknown.

Labcorp Genetics (formerly Invitae), Labcorp
Classification: Pathogenic for Familial adenomatous polyposis 2. Last evaluated: 2021-11-17. Review status: criteria provided, single submitter. Criteria: Invitae Variant Classification Sherloc (09022015). Collection method: clinical testing. Allele origin: germline.
Comment: ClinVar contains an entry for this variant (Variation ID: 421975). This variant has not been reported in the literature in individuals affected with MUTYH-related conditions. This variant is not present in population databases (gnomAD no frequency). This sequence change creates a premature translational stop signal (p.Glu441Argfs*11) in the MUTYH gene. It is expected to result in an absent or disrupted protein product. Loss-of-function variants in MUTYH are known to be pathogenic (PMID: 18534194, 20663686). For these reasons, this variant has been classified as Pathogenic.

GeneDx
Classification: Likely pathogenic. Last evaluated: 2016-08-15. Review status: criteria provided, single submitter. Criteria: GeneDx Variant Classification (06012015). Collection method: clinical testing. Allele origin: germline. Affected: yes.
Comment: This deletion of one nucleotide in MUTYH is denoted c.1321delG at the cDNA level and p.Glu441ArgfsX11 (E441RfsX11) at the protein level. The normal sequence, with the base that is deleted in braces, is TGGG[G]AGGT. The deletion causes a frameshift which changes a Glutamic Acid to an Arginine at codon 441, and creates a premature stop codon at position 11 of the new reading frame. Although this variant has not, to our knowledge, been reported in the literature, it is predicted to cause loss of normal protein function through either protein truncation or nonsense-mediated mRNA decay. Based on the currently available information, we consider this deletion to be a likely pathogenic variant.

Literature cited by the submitters: PubMed 18534194 (cited by Labcorp Genetics (formerly Invitae), Labcorp); PubMed 20663686 (cited by Labcorp Genetics (formerly Invitae), Labcorp).